The following is an entry in ClinVar:

ClinVar aggregate classification (germline): Conflicting classifications of pathogenicity. Review status: criteria provided, conflicting classifications (1 of 4 stars). 3 submissions from 3 submitters: Uncertain significance (2); Likely benign (1). Last evaluated 2025-12-04.

Conditions:
Hereditary cancer-predisposing syndrome. Also called: Hereditary neoplastic syndrome; Neoplastic Syndromes, Hereditary; Tumor predisposition; Hereditary Cancer Syndrome. Identifiers: Orphanet 140162, MedGen C0027672, MeSH D009386, MONDO:0015356.
Tuberous sclerosis 2 (TSC2). Identifiers: Orphanet 805, MedGen C1860707, MONDO:0013199, OMIM 613254.

Allele frequency attached by ClinVar (database versions not stated): TOPMed 0.00001.
gnomAD v4.1: 9 of 1,612,456 alleles (0.00056%); highest among the groups gnomAD compares: Non-Finnish European, 0.00076%; no homozygotes.

Submissions (3):

Ambry Genetics
Classification: Uncertain significance for Hereditary cancer-predisposing syndrome. Last evaluated: 2025-12-04. Review status: criteria provided, single submitter. Criteria: Ambry Variant Classification Scheme 2023. Collection method: clinical testing. Allele origin: germline.
Comment: The c.3815-3C>G intronic variant results from a C to G substitution 3 nucleotides upstream from coding exon 31 in the TSC2 gene. This nucleotide position is highly conserved in available vertebrate species. In silico splice site analysis predicts that this alteration may weaken the native splice acceptor site; however direct evidence is insufficient as this exon is excluded from naturally occurring transcripts (Ambry internal data). Since supporting evidence is limited at this time, the clinical significance of this alteration remains unclear.

Labcorp Genetics (formerly Invitae), Labcorp
Classification: Likely benign for Tuberous sclerosis 2. Last evaluated: 2025-04-17. Review status: criteria provided, single submitter. Criteria: Invitae Variant Classification Sherloc (09022015). Collection method: clinical testing. Allele origin: germline.

GeneDx
Classification: Uncertain significance. Last evaluated: 2024-02-22. Review status: criteria provided, single submitter. Criteria: GeneDx Variant Classification Process June 2021. Collection method: clinical testing. Allele origin: germline. Affected: yes.
Comment: Not observed at significant frequency in large population cohorts (gnomAD); Has not been previously published as pathogenic or benign to our knowledge; In silico analysis is inconclusive as to whether the variant alters gene splicing. In the absence of RNA/functional studies, the actual effect of this sequence change is unknown.

NM_000548.5(TSC2):c.3815-3C>G

Gene: TSC2 (TSC complex subunit 2; plus strand). Cytogenetic location: 16p13.3.
Variant type: single nucleotide variant.
Coding change: c.3815-3C>G on transcript NM_000548.5 (MANE Select); 3 bases into the intron before coding-DNA position 3815, C replaced by G.
Molecular consequence: intron variant.
Genome position (GRCh38, 1-based): chr16:2,082,433, C>G. VCF-style: chr16-2082433-C-G. GRCh37 (hg19) VCF-style: chr16-2132434-C-G.
Other names: c.3814+635C>G (NM_001114382.3); c.3686-3C>G (NM_021055.3, NM_001370405.1); c.3685+635C>G (NM_001363528.2); c.3683-3C>G (NM_001370404.1); c.3682+635C>G (NM_001077183.3); c.3574+635C>G (NM_001318827.2); c.3083-3C>G (NM_001318831.2); c.3538+635C>G (NM_001318829.2); and 1 more.
Identifiers: ClinVar variation 468041 (VCV000468041.15), dbSNP rs770054036, ClinGen allele CA658656513.
Genomic context (GRCh38, chr16:2,082,433, plus strand): 5'-CTGCTCGACCTGTGTGTAGCCCCTCCTCCTGCTGACGTGGCCGCACACGGCCTTCCCTTG[C>G]AGTGGCCTCTTTCTCCTCCCTGTACCAGTCCAGCTGCCAAGGACAGCTGCACAGGAGCGT-3'